The following is an entry in ClinVar:

ClinVar aggregate classification (germline): Uncertain significance (1 of 4 stars; one submission).

Allele frequency attached by ClinVar (database versions not stated): gnomAD exomes 0.00001; gnomAD 0.00003; TOPMed 0.00003; ExAC 0.00007.
gnomAD v4.1: 23 of 1,614,052 alleles (0.0014%); highest among the groups gnomAD compares: African/African-American, 0.0093%; no homozygotes.

Submission:

Labcorp Genetics (formerly Invitae), Labcorp
Classification: Uncertain significance. Last evaluated: 2024-07-04. Review status: criteria provided, single submitter. Criteria: Invitae Variant Classification Sherloc (09022015). Collection method: clinical testing. Allele origin: germline.
Comment: This sequence change replaces alanine, which is neutral and non-polar, with valine, which is neutral and non-polar, at codon 952 of the ADCY1 protein (p.Ala952Val). The frequency data for this variant in the population databases is considered unreliable, as metrics indicate poor data quality at this position in the gnomAD database. This variant has not been reported in the literature in individuals affected with ADCY1-related conditions. ClinVar contains an entry for this variant (Variation ID: 2421502). Advanced modeling of protein sequence and biophysical properties (such as structural, functional, and spatial information, amino acid conservation, physicochemical variation, residue mobility, and thermodynamic stability) performed at Invitae indicates that this missense variant is not expected to disrupt ADCY1 protein function with a negative predictive value of 80%. In summary, the available evidence is currently insufficient to determine the role of this variant in disease. Therefore, it has been classified as a Variant of Uncertain Significance.

NM_021116.4(ADCY1):c.2855C>T (p.Ala952Val)

Gene: ADCY1 (adenylate cyclase 1; plus strand). Cytogenetic location: 7p12.3.
Variant type: single nucleotide variant.
Coding change: c.2855C>T on transcript NM_021116.4 (MANE Select); coding-DNA position 2855, C replaced by T.
Protein change: p.Ala952Val; replaces alanine 952 with valine.
Molecular consequence: missense variant.
Genome position (GRCh38, 1-based): chr7:45,708,387, C>T. VCF-style: chr7-45708387-C-T. GRCh37 (hg19) VCF-style: chr7-45747986-C-T.
Other names: short protein forms A952V.
Identifiers: ClinVar variation 2421502 (VCV002421502.6), dbSNP rs776377437, ClinGen allele CA4249380.
Genomic context (GRCh38, chr7:45,708,387, plus strand): 5'-TGACCCCATCTGTTTACACCTAGGCTAAGAAGTCCATCTCCTCCCACCTGAGCACGCTGG[C>T]GGACTTTGCCATTGAGATGTTTGACGTTCTGGATGAAATCAACTACCAGTCTTACAACGA-3'
Protein context (NP_066939.1, residues 942-962): KSISSHLSTL[Ala952Val]DFAIEMFDVL